The following is an entry in ClinVar:

ClinVar aggregate classification (germline): Pathogenic (1 of 4 stars; one submission).

Conditions:
Duchenne muscular dystrophy (DMD). Also called: Duchenne Muscular Dystrophy (DMD); MUSCULAR DYSTROPHY, PSEUDOHYPERTROPHIC PROGRESSIVE, DUCHENNE TYPE. Identifiers: Orphanet 98896, MedGen C0013264, MONDO:0010679, OMIM 310200.

Submission:

Labcorp Genetics (formerly Invitae), Labcorp
Classification: Pathogenic for Duchenne muscular dystrophy. Last evaluated: 2021-09-09. Review status: criteria provided, single submitter. Criteria: Invitae Variant Classification Sherloc (09022015). Collection method: clinical testing. Allele origin: germline.
Comment: This variant is a gross deletion of the genomic region encompassing exon(s) 46-54 of the DMD gene. This variant would be expected to be in-frame, preserving the integrity of the reading frame. A similar copy number variant has been observed in individuals with Becker muscular dystrophy (PMID: 14652441). The region of the DMD gene that includes exon(s) 48-53 has been determined to be clinically significant (PMID: 17854090, 18663755, 19907931). Therefore, deletions that encompass that region are likely to be disease-causing. For these reasons, this variant has been classified as Pathogenic.

Literature cited by the submitters: PubMed 14652441; PubMed 17854090; PubMed 18663755; PubMed 19907931.

NC_000023.11:g.(?_31657970)_(31932247_?)del

Genes: DMD (dystrophin; minus strand), LOC129391296 (MPRA-validated peak7373 silencer; plus strand). Cytogenetic location: Xp21.1.
Variant type: Deletion.
Identifiers: ClinVar variation 526158 (VCV000526158.9).